The following is an entry in ClinVar:

ClinVar aggregate classification (germline): Benign (1 of 4 stars; one submission).

Submission:

Unidad de Genómica Garrahan, Hospital de Pediatría Garrahan
Classification: Benign. Last evaluated: 2023-11-14. Review status: criteria provided, single submitter. Criteria: ACMG Guidelines, 2015. Collection method: clinical testing. Allele origin: germline. Affected: no. Observed: 62 variant alleles.
Comment: This variant is classified as Benign based on local population frequency. This variant was detected in 65% of patients studied by a panel of primary immunodeficiencies. Number of patients: 62. Only high quality variants are reported.

NM_002800.5(PSMB9):c.532+168T>C

Gene: PSMB9 (proteasome 20S subunit beta 9; plus strand). Cytogenetic location: 6p21.32.
Variant type: single nucleotide variant.
Coding change: c.532+168T>C on transcript NM_002800.5 (MANE Select); 168 bases into the intron after coding-DNA position 532, T replaced by C.
Molecular consequence: intron variant.
Genome position (GRCh38, 1-based): chr6:32,858,673, T>C. VCF-style: chr6-32858673-T-C. GRCh37 (hg19) VCF-style: chr6-32826450-T-C.
Identifiers: ClinVar variation 2637873 (VCV002637873.2), dbSNP rs6930981, ClinGen allele CA12266705.